The following is an entry in ClinVar:

ClinVar aggregate classification (germline): Uncertain significance (1 of 4 stars; one submission).

Conditions:
BBS4-related disorder. Also called: BBS4-related condition.

gnomAD v4.1: 15 of 1,612,692 alleles (0.00093%); highest among the groups gnomAD compares: Non-Finnish European, 0.0012%; no homozygotes.

Submission:

PreventionGenetics, part of Exact Sciences
Classification: Uncertain significance for BBS4-related condition. Last evaluated: 2024-10-24. Review status: criteria provided, single submitter. Criteria: ACMG Guidelines, 2015. Collection method: clinical testing. Allele origin: germline.
Comment: The BBS4 c.1469A>C variant is predicted to result in the amino acid substitution p.Gln490Pro. To our knowledge, this variant has not been reported in the literature or in a large population database (gnomAD), indicating this variant is rare. At this time, the clinical significance of this variant is uncertain due to the absence of conclusive functional and genetic evidence.

NM_033028.5(BBS4):c.1469A>C (p.Gln490Pro)

Gene: BBS4 (Bardet-Biedl syndrome 4; plus strand). Cytogenetic location: 15q24.1.
Variant type: single nucleotide variant.
Coding change: c.1469A>C on transcript NM_033028.5 (MANE Select); coding-DNA position 1469, A replaced by C.
Protein change: p.Gln490Pro; replaces glutamine 490 with proline.
Molecular consequence: missense variant. On other transcripts: non-coding transcript variant (2).
Genome position (GRCh38, 1-based): chr15:72,737,496, A>C. VCF-style: chr15-72737496-A-C. GRCh37 (hg19) VCF-style: chr15-73029837-A-C.
Other names: c.953A>C, p.Gln318Pro (NM_001252678.2); c.1400A>C, p.Gln467Pro (NM_001320665.2); short protein forms Q318P, Q490P, Q467P.
Identifiers: ClinVar variation 4981266 (VCV004981266.1).